The following is an entry in ClinVar:

ClinVar aggregate classification (germline): Uncertain significance (1 of 4 stars; one submission).

Submission:

GeneDx
Classification: Uncertain significance. Last evaluated: 2017-03-17. Review status: criteria provided, single submitter. Criteria: GeneDx Variant Classification (06012015). Collection method: clinical testing. Allele origin: germline. Affected: yes.
Comment: The N343S variant in the CPA6 gene has not been reported previously as a pathogenic variant, nor as a benign variant, to our knowledge. The N343S variant is not observed in large population cohorts (Lek et al., 2016; 1000 Genomes Consortium et al., 2015; Exome Variant Server). The N343S variant is a conservative amino acid substitution, which is not likely to impact secondary protein structure as these residues share similar properties. However, this substitution occurs at a position that is conserved across species, and in silico analysis predicts this variant is probably damaging to the protein structure/function. We interpret N343S as a variant of uncertain significance.

NM_020361.5(CPA6):c.1028A>G (p.Asn343Ser)

Genes: ARFGEF1-DT (ARFGEF1 divergent transcript; plus strand), CPA6 (carboxypeptidase A6; minus strand). Cytogenetic location: 8q13.2.
Variant type: single nucleotide variant.
Coding change: c.1028A>G on transcript NM_020361.5 (MANE Select); coding-DNA position 1028, A replaced by G.
Protein change: p.Asn343Ser; replaces asparagine 343 with serine.
Molecular consequence: missense variant.
Genome position (GRCh38, 1-based): chr8:67,434,051, T>C on the plus strand (A>G on the coding strand, the complement: CPA6 is on the minus strand). VCF-style: chr8-67434051-T-C. GRCh37 (hg19) VCF-style: chr8-68346286-T-C.
Other names: short protein forms N343S.
Identifiers: ClinVar variation 424361 (VCV000424361.2), dbSNP rs1064796933, ClinGen allele CA16618690.
Genomic context (GRCh38, chr8:67,434,051, plus strand): 5'-AAAAGCAGCATGAAGCCTGATGTACATGCACAGGGTCAAATACTTACCACACATCTAAAA[T>C]TGGGAATTGTTGCATATTTGTAAGAATAGGGATACAGTAACATCTGAGCATATGCATGAA-3'
Protein context (NP_065094.3, residues 333-353): PYSYKYATIP[Asn343Ser]FRCVESAAYK